The following is an entry in ClinVar:

NM_178452.6(DNAAF1):c.-66T>C

Gene: DNAAF1 (dynein axonemal assembly factor 1; plus strand). Cytogenetic location: 16q24.1.
Variant type: single nucleotide variant.
Coding change: c.-66T>C on transcript NM_178452.6 (MANE Select); 66 bases upstream of the start codon, T replaced by C.
Molecular consequence: 5 prime UTR variant.
Genome position (GRCh38, 1-based): chr16:84,145,375, T>C. VCF-style: chr16-84145375-T-C. GRCh37 (hg19) VCF-style: chr16-84178980-T-C.
Identifiers: ClinVar variation 886425 (VCV000886425.5), dbSNP rs190497604, ClinGen allele CA285487069.

ClinVar aggregate classification (germline): Benign. Review status: criteria provided, multiple submitters, no conflicts (2 of 4 stars). 2 submissions from 2 submitters: Benign (2). Last evaluated 2017-04-27.

Conditions:
Primary ciliary dyskinesia 13. Also called: CILIARY DYSKINESIA, PRIMARY, 13, WITH OR WITHOUT SITUS INVERSUS. Identifiers: Orphanet 244, MedGen C2750790, MONDO:0013174, OMIM 613193.

Allele frequency attached by ClinVar (database versions not stated): gnomAD exomes 0.00159; gnomAD 0.00342 and 0.00349; 1000 Genomes Project 0.00599; 1000 Genomes Project 30x 0.00609; TOPMed 0.00649.
gnomAD v4.1: 2,755 of 1,550,188 alleles (0.18%); highest among the groups gnomAD compares: Admixed American, 5%; 108 homozygotes.

Submissions (2):

Illumina Laboratory Services, Illumina
Classification: Benign for Primary ciliary dyskinesia 13. Last evaluated: 2017-04-27. Review status: criteria provided, single submitter. Criteria: ICSL Variant Classification Criteria 13 December 2019. Collection method: clinical testing. Allele origin: germline.
Comment: This variant was observed as part of a predisposition screen in an ostensibly healthy population. A literature search was performed for the gene, cDNA change, and amino acid change (where applicable). No publications were found based on this search. Allele frequency data from public databases was too high to be consistent with this variant causing disease. Therefore, this variant is classified as benign.

Breakthrough Genomics
Classification: Benign. Review status: criteria provided, single submitter. Criteria: ACMG Guidelines, 2015. Collection method: not provided. Allele origin: germline. Inheritance: Autosomal recessive inheritance. Affected: yes.